The following is an entry in ClinVar:

ClinVar aggregate classification (germline): Benign/Likely benign. Review status: criteria provided, multiple submitters, no conflicts (2 of 4 stars). 4 submissions from 4 submitters: Benign (1); Likely benign (3). Last evaluated 2025-10-11.

Conditions:
Hereditary cancer-predisposing syndrome. Also called: Neoplastic Syndromes, Hereditary; Hereditary Cancer Syndrome; Tumor predisposition; Hereditary neoplastic syndrome. Identifiers: Orphanet 140162, MedGen C0027672, MeSH D009386, MONDO:0015356.
Familial adenomatous polyposis 1 (FAP1). Also called: FAMILIAL ADENOMATOUS POLYPOSIS 1, ATTENUATED; POLYPOSIS, ADENOMATOUS INTESTINAL. Identifiers: MedGen C2713442, MONDO:0021056, OMIM 175100. Disease mechanism: loss of function.

Allele frequency attached by ClinVar (database versions not stated): gnomAD exomes below 0.00001.

Submissions (4):

Labcorp Genetics (formerly Invitae), Labcorp
Classification: Likely benign for Familial adenomatous polyposis 1. Last evaluated: 2025-10-11. Review status: criteria provided, single submitter. Criteria: Invitae Variant Classification Sherloc (09022015). Collection method: clinical testing. Allele origin: germline.

Ambry Genetics
Classification: Likely benign for Hereditary cancer-predisposing syndrome. Last evaluated: 2025-06-15. Review status: criteria provided, single submitter. Criteria: Ambry Variant Classification Scheme 2023. Collection method: clinical testing. Allele origin: germline.

Color Diagnostics, LLC DBA Color Health
Classification: Likely benign for Hereditary cancer-predisposing syndrome. Last evaluated: 2025-02-10. Review status: criteria provided, single submitter. Criteria: ACMG Guidelines, 2015. Collection method: clinical testing. Allele origin: germline.

Myriad Genetics, Inc.
Classification: Benign for Familial adenomatous polyposis 1. Last evaluated: 2024-04-03. Review status: criteria provided, single submitter. Criteria: Myriad Autosomal Dominant, Autosomal Recessive and X-Linked Classification Criteria (2023). Collection method: clinical testing. Allele origin: unknown.
Comment: This variant is considered benign. This variant is a silent/synonymous amino acid change and it is not expected to impact splicing.

NM_000038.6(APC):c.5964A>G (p.Lys1988=)

Gene: APC (APC regulator of Wnt signaling pathway; plus strand). Cytogenetic location: 5q22.2.
Variant type: single nucleotide variant.
Coding change: c.5964A>G on transcript NM_000038.6 (MANE Select); coding-DNA position 5964, A replaced by G.
Protein change: p.Lys1988=; no amino-acid change (lysine 1988 retained).
Molecular consequence: synonymous variant.
Genome position (GRCh38, 1-based): chr5:112,841,558, A>G. VCF-style: chr5-112841558-A-G. GRCh37 (hg19) VCF-style: chr5-112177255-A-G.
Other names: c.5964A>G, p.Lys1988= (NM_001127510.3, NM_001354895.2); c.5910A>G, p.Lys1970= (NM_001127511.3); c.6018A>G, p.Lys2006= (NM_001354896.2); c.5994A>G, p.Lys1998= (NM_001354897.2); c.5889A>G, p.Lys1963= (NM_001354898.2); c.5880A>G, p.Lys1960= (NM_001354899.2); c.5841A>G, p.Lys1947= (NM_001354900.2); c.5787A>G, p.Lys1929= (NM_001354901.2); and 5 more.
Identifiers: ClinVar variation 705507 (VCV000705507.13), dbSNP rs1580666126, ClinGen allele CA446210092.